The following is an entry in ClinVar:

ClinVar aggregate classification (germline): Pathogenic. Review status: criteria provided, multiple submitters, no conflicts (2 of 4 stars). 2 submissions from 2 submitters: Pathogenic (2). Last evaluated 2024-06-13.

Conditions:
Hereditary cancer-predisposing syndrome. Also called: Hereditary neoplastic syndrome; Tumor predisposition; Neoplastic Syndromes, Hereditary; Hereditary Cancer Syndrome. Identifiers: Orphanet 140162, MedGen C0027672, MeSH D009386, MONDO:0015356.
Peutz-Jeghers syndrome (PJS). Also called: Peutz-Jeghers polyposis; Periorificial lentiginosis syndrome; POLYPOSIS, HAMARTOMATOUS INTESTINAL; POLYPS-AND-SPOTS SYNDROME. Identifiers: Orphanet 2869, MedGen C0031269, MeSH D010580, MONDO:0008280, OMIM 175200.

Submissions (2):

Labcorp Genetics (formerly Invitae), Labcorp
Classification: Pathogenic for Peutz-Jeghers syndrome. Last evaluated: 2024-06-13. Review status: criteria provided, single submitter. Criteria: Invitae Variant Classification Sherloc (09022015). Collection method: clinical testing. Allele origin: germline.
Comment: This sequence change creates a premature translational stop signal (p.Phe204Valfs*62) in the STK11 gene. It is expected to result in an absent or disrupted protein product. Loss-of-function variants in STK11 are known to be pathogenic (PMID: 15188174, 16287113). This variant is not present in population databases (gnomAD no frequency). This variant has not been reported in the literature in individuals affected with STK11-related conditions. ClinVar contains an entry for this variant (Variation ID: 428782). For these reasons, this variant has been classified as Pathogenic.

Ambry Genetics
Classification: Pathogenic for Hereditary cancer-predisposing syndrome. Last evaluated: 2014-04-15. Review status: criteria provided, single submitter. Criteria: Ambry Autosomal Dominant and X-Linked criteria (10/2015). Collection method: clinical testing. Allele origin: germline. Observed: 1 variant allele.
Comment: The c.608dupC pathogenic mutation, located in coding exon 5 of the STK11 gene, results from a duplication of C at nucleotide position 608, causing a translational frameshift with a predicted alternate stop codon. Since frameshifts are typically deleterious in nature, this alteration is interpreted as a disease-causing mutation (ACMG Recommendations for Standards for Interpretation and Reporting of Sequence Variations. Revision 2007. Genet Med. 2008;10:294).

Literature cited by the submitters: PubMed 15188174 (cited by Labcorp Genetics (formerly Invitae), Labcorp); PubMed 16287113 (cited by Labcorp Genetics (formerly Invitae), Labcorp).

NM_000455.5(STK11):c.608dup (p.Phe204fs)

Gene: STK11 (serine/threonine kinase 11; plus strand). Cytogenetic location: 19p13.3.
Variant type: Duplication.
Coding change: c.608dup on transcript NM_000455.5 (MANE Select); coding-DNA position 608, one base duplicated (C; older notation c.608dupC).
Protein change: p.Phe204fs; shifts the reading frame from phenylalanine 204.
Molecular consequence: frameshift variant.
Genome position (GRCh38, 1-based): chr19:1,220,591, C duplicated; the last of 3 consecutive C bases (chr19:1,220,589-1,220,591); duplicating any one gives the same sequence. VCF-style (leftmost placement, unchanged base first): chr19-1220588-A-AC. GRCh37 (hg19) VCF-style: chr19-1220587-A-AC.
Other names: c.608dupC (NM_000455.4); short protein forms F204fs.
Identifiers: ClinVar variation 428782 (VCV000428782.5), dbSNP rs1131690946, ClinGen allele CA645369770.
Genomic context (GRCh38, chr19:1,220,588, plus strand): 5'-CCTGGGGCGCCCCCTCCCGGGCACTCCCTGAGGGCTGCACGGCACCGCCACAGGCACTGC[A>AC]CCCGTTCGCGGCGGACGACACCTGCCGGACCAGCCAGGGCTCCCCGGCTTTCCAGCCGCC-3'